The following is an entry in ClinVar:

ClinVar aggregate classification (germline): Likely benign. Review status: criteria provided, single submitter (1 of 4 stars). 2 submissions from 2 submitters: Likely benign (1). 1 of the submissions does not count toward it. Last evaluated 2022-06-13.

Conditions:
PPARG-related disorder. Also called: PPARG-related condition; PPARG-related disorders.

Allele frequency attached by ClinVar (database versions not stated): gnomAD exomes 0.00001; ExAC 0.00002; gnomAD 0.00004; TOPMed 0.00006; ESP Exome Variant Server 0.00015; 1000 Genomes Project 0.00040; 1000 Genomes Project 30x 0.00062.
gnomAD v4.1: 16 of 1,613,438 alleles (0.00099%); highest among the groups gnomAD compares: African/African-American, 0.008%; no homozygotes.

Submissions (2):

Labcorp Genetics (formerly Invitae), Labcorp
Classification: Likely benign. Last evaluated: 2022-06-13. Review status: criteria provided, single submitter. Criteria: Invitae Variant Classification Sherloc (09022015). Collection method: clinical testing. Allele origin: germline.

PreventionGenetics, part of Exact Sciences
Classification: Likely benign for PPARG-related condition. Last evaluated: 2021-11-17. Review status: no assertion criteria provided. Collection method: clinical testing. Allele origin: germline. Not counted in ClinVar's aggregate classification.
Comment: This variant is classified as likely benign based on ACMG/AMP sequence variant interpretation guidelines (Richards et al. 2015 PMID: 25741868, with internal and published modifications).

NM_138711.6(PPARG):c.391-9C>T

Gene: PPARG (peroxisome proliferator activated receptor gamma; plus strand). Cytogenetic location: 3p25.2.
Variant type: single nucleotide variant.
Coding change: c.391-9C>T on transcript NM_138711.6 (MANE Select); 9 bases into the intron before coding-DNA position 391, C replaced by T.
Molecular consequence: intron variant.
Genome position (GRCh38, 1-based): chr3:12,392,605, C>T. VCF-style: chr3-12392605-C-T. GRCh37 (hg19) VCF-style: chr3-12434104-C-T.
Other names: c.481-9C>T (NM_015869.4, NM_015869.5, NM_001374265.1 and 1 more transcripts); c.391-9C>T (NM_001354666.3, NM_138712.5, NM_005037.7 and 6 more transcripts); c.-37-9C>T (NM_001354669.2); c.397-9C>T (NM_001374266.1, NM_001354670.2).
Identifiers: ClinVar variation 1952169 (VCV001952169.7), dbSNP rs377655854, ClinGen allele CA2258186.